The following is an entry in ClinVar:

NM_004006.3(DMD):c.6380T>G (p.Leu2127Arg)

Gene: DMD (dystrophin; minus strand). Cytogenetic location: Xp21.1.
Variant type: single nucleotide variant.
Coding change: c.6380T>G on transcript NM_004006.3 (MANE Select); coding-DNA position 6380, T replaced by G.
Protein change: p.Leu2127Arg; replaces leucine 2127 with arginine.
Molecular consequence: missense variant.
Genome position (GRCh38, 1-based): chrX:32,216,974, A>C on the plus strand (T>G on the coding strand, the complement: DMD is on the minus strand). VCF-style: chrX-32216974-A-C. GRCh37 (hg19) VCF-style: chrX-32235091-A-C.
Other names: c.6356T>G, p.Leu2119Arg (NM_000109.4); c.6368T>G, p.Leu2123Arg (NM_004009.3); c.6011T>G, p.Leu2004Arg (NM_004010.3); c.2357T>G, p.Leu786Arg (NM_004011.4); c.2348T>G, p.Leu783Arg (NM_004012.4); short protein forms L2004R, L2127R, L2119R, L2123R, L783R, L786R.
Identifiers: ClinVar variation 3005699 (VCV003005699.3), dbSNP rs2519058510, ClinGen allele CA412660596.

ClinVar aggregate classification (germline): Uncertain significance (1 of 4 stars; one submission).

Conditions:
Duchenne muscular dystrophy (DMD). Also called: MUSCULAR DYSTROPHY, PSEUDOHYPERTROPHIC PROGRESSIVE, DUCHENNE TYPE; Duchenne Muscular Dystrophy (DMD). Identifiers: Orphanet 98896, MedGen C0013264, MONDO:0010679, OMIM 310200.

Submission:

Labcorp Genetics (formerly Invitae), Labcorp
Classification: Uncertain significance for Duchenne muscular dystrophy. Last evaluated: 2023-12-31. Review status: criteria provided, single submitter. Criteria: Invitae Variant Classification Sherloc (09022015). Collection method: clinical testing. Allele origin: germline.
Comment: This sequence change replaces leucine, which is neutral and non-polar, with arginine, which is basic and polar, at codon 2127 of the DMD protein (p.Leu2127Arg). This variant is not present in population databases (gnomAD no frequency). This variant has not been reported in the literature in individuals affected with DMD-related conditions. Advanced modeling of protein sequence and biophysical properties (such as structural, functional, and spatial information, amino acid conservation, physicochemical variation, residue mobility, and thermodynamic stability) performed at Invitae indicates that this missense variant is not expected to disrupt DMD protein function with a negative predictive value of 95%. In summary, the available evidence is currently insufficient to determine the role of this variant in disease. Therefore, it has been classified as a Variant of Uncertain Significance.